The following is an entry in ClinVar:

ClinVar aggregate classification (germline): Uncertain significance (1 of 4 stars; one submission).

Conditions:
Gorlin syndrome. Also called: Nevoid Basal Cell Carcinoma Syndrome; Basal cell nevus syndrome. Identifiers: Orphanet 377, MedGen C0004779, MONDO:0007187.

Submission:

Labcorp Genetics (formerly Invitae), Labcorp
Classification: Uncertain significance for Gorlin syndrome. Last evaluated: 2022-08-22. Review status: criteria provided, single submitter. Criteria: Invitae Variant Classification Sherloc (09022015). Collection method: clinical testing. Allele origin: germline.
Comment: In summary, the available evidence is currently insufficient to determine the role of this variant in disease. Therefore, it has been classified as a Variant of Uncertain Significance. Algorithms developed to predict the effect of sequence changes on RNA splicing suggest that this variant may create or strengthen a splice site. This variant has not been reported in the literature in individuals affected with PTCH1-related conditions. This variant is not present in population databases (gnomAD no frequency). This sequence change creates a premature translational stop signal (p.Ser1203Argfs*17) in the PTCH1 gene. While this is not anticipated to result in nonsense mediated decay, it is expected to disrupt the last 245 amino acid(s) of the PTCH1 protein.

NM_000264.5(PTCH1):c.3608dup (p.Ser1203fs)

Gene: PTCH1 (patched 1; minus strand). Cytogenetic location: 9q22.32.
Variant type: Duplication.
Coding change: c.3608dup on transcript NM_000264.5 (MANE Select); coding-DNA position 3608, one base duplicated (G; older notation c.3608dupG).
Protein change: p.Ser1203fs; shifts the reading frame from serine 1203.
Molecular consequence: frameshift variant. On other transcripts: non-coding transcript variant (1).
Genome position (GRCh38, 1-based): chr9:95,449,265, C duplicated on the plus strand (G on the coding strand, the reverse complement: PTCH1 is on the minus strand). VCF-style (leftmost placement, unchanged base first): chr9-95449264-G-GC. GRCh37 (hg19) VCF-style: chr9-98211546-G-GC.
Other names: c.3452dup, p.Ser1151fs (NM_001354918.2); c.3410dup, p.Ser1137fs (NM_001083602.3); c.3605dup, p.Ser1202fs (NM_001083603.3); c.3155dup, p.Ser1052fs (NM_001083604.3, NM_001083605.3, NM_001083606.3 and 1 more transcripts); short protein forms S1052fs, S1151fs, S1202fs, S1203fs, S1137fs.
Identifiers: ClinVar variation 2049660 (VCV002049660.4), dbSNP rs2538015490, ClinGen allele CA2580081120.
Genomic context (GRCh38, chr9:95,449,264, plus strand): 5'-CGAGTCGGAGGAATCAGACCCGCTGTGCGTGTGGCCGGGCGGCATGGCGAAGCGGACCAC[G>GC]CTGGGGGGTGGCTCAGGGGAGGGTGTGGGCAGGCGGTTCAAGCCGTTGGCTGGAGACACC-3'